The following is an entry in ClinVar:

NM_017534.6(MYH2):c.5765dup (p.Val1923fs)

Genes: MYH2 (myosin heavy chain 2; minus strand), MYHAS (myosin heavy chain gene cluster antisense RNA; plus strand). Cytogenetic location: 17p13.1.
Variant type: Duplication.
Coding change: c.5765dup on transcript NM_017534.6 (MANE Select); coding-DNA position 5765, one base duplicated (A; older notation c.5765dupA).
Protein change: p.Val1923fs; shifts the reading frame from valine 1923.
Molecular consequence: frameshift variant.
Genome position (GRCh38, 1-based): chr17:10,521,341, T duplicated on the plus strand (A on the coding strand, the reverse complement: MYH2 is on the minus strand). VCF-style (leftmost placement, unchanged base first): chr17-10521340-C-CT. GRCh37 (hg19) VCF-style: chr17-10424657-C-CT.
Other names: c.5765dup, p.Val1923fs (NM_001100112.2); short protein forms V1923fs.
Identifiers: ClinVar variation 4056632 (VCV004056632.1).

ClinVar aggregate classification (germline): Uncertain significance (1 of 4 stars; one submission).

Conditions:
Myopathy, proximal, and ophthalmoplegia (CMYO6). Also called: MYOPATHY WITH CONGENITAL JOINT CONTRACTURES, OPHTHALMOPLEGIA, AND RIMMED VACUOLES; INCLUSION BODY MYOPATHY 3, AUTOSOMAL DOMINANT; CONGENITAL MYOPATHY 6 WITH OPHTHALMOPLEGIA. Identifiers: Orphanet 363677, Orphanet 79091, MedGen C1854106, MONDO:0011577, OMIM 605637.

Submission:

Laboratorio de Genetica e Diagnostico Molecular, Hospital Israelita Albert Einstein
Classification: Uncertain significance for Myopathy, proximal, and ophthalmoplegia. Last evaluated: 2025-04-05. Review status: criteria provided, single submitter. Criteria: ACMG Guidelines, 2015. Collection method: clinical testing. Allele origin: germline. Affected: yes.
Comment: ACMG classification criteria: PVS1 moderate, PM2 supporting